The following is an entry in ClinVar:

ClinVar aggregate classification (germline): Uncertain significance (1 of 4 stars; one submission).

Conditions:
Cataract 14 multiple types. Also called: CATARACT 14, ZONULAR PULVERULENT; CATARACT 14, NUCLEAR PULVERULENT; CATARACT 14, NUCLEAR PULVERULENT AND POSTERIOR POLAR; CATARACT 14, NUCLEAR CORALLIFORM; CATARACT 14, EMBRYONAL NUCLEAR; CATARACT 14, COPPOCK-LIKE. Identifiers: Orphanet 91492, MedGen C1866078, MONDO:0011162, OMIM 601885.

gnomAD v4.1: 3 of 1,613,466 alleles (0.00019%); highest among the groups gnomAD compares: South Asian, 0.0011%; no homozygotes.

Submission:

Labcorp Genetics (formerly Invitae), Labcorp
Classification: Uncertain significance for Cataract 14 multiple types. Last evaluated: 2024-09-26. Review status: criteria provided, single submitter. Criteria: Invitae Variant Classification Sherloc (09022015). Collection method: clinical testing. Allele origin: germline.
Comment: This sequence change replaces asparagine, which is neutral and polar, with histidine, which is basic and polar, at codon 152 of the GJA3 protein (p.Asn152His). This variant is present in population databases (no rsID available, gnomAD 0.003%). This variant has not been reported in the literature in individuals affected with GJA3-related conditions. Invitae Evidence Modeling of protein sequence and biophysical properties (such as structural, functional, and spatial information, amino acid conservation, physicochemical variation, residue mobility, and thermodynamic stability) indicates that this missense variant is not expected to disrupt GJA3 protein function with a negative predictive value of 80%. In summary, the available evidence is currently insufficient to determine the role of this variant in disease. Therefore, it has been classified as a Variant of Uncertain Significance.

NM_021954.4(GJA3):c.454A>C (p.Asn152His)

Gene: GJA3 (gap junction protein alpha 3; minus strand). Cytogenetic location: 13q12.11.
Variant type: single nucleotide variant.
Coding change: c.454A>C on transcript NM_021954.4 (MANE Select); coding-DNA position 454, A replaced by C.
Protein change: p.Asn152His; replaces asparagine 152 with histidine.
Molecular consequence: missense variant.
Genome position (GRCh38, 1-based): chr13:20,142,835, T>G on the plus strand (A>C on the coding strand, the complement: GJA3 is on the minus strand). VCF-style: chr13-20142835-T-G. GRCh37 (hg19) VCF-style: chr13-20716974-T-G.
Other names: short protein forms N152H.
Identifiers: ClinVar variation 3624253 (VCV003624253.2).